The following is an entry in ClinVar:

ClinVar aggregate classification (germline): Uncertain significance. Review status: criteria provided, multiple submitters, no conflicts (2 of 4 stars). 2 submissions from 2 submitters: Uncertain significance (2). Last evaluated 2025-09-15.

Submissions (2):

Labcorp Genetics (formerly Invitae), Labcorp
Classification: Uncertain significance. Last evaluated: 2025-09-15. Review status: criteria provided, single submitter. Criteria: Invitae Variant Classification Sherloc (09022015). Collection method: clinical testing. Allele origin: germline.
Comment: This sequence change replaces glutamine, which is neutral and polar, with arginine, which is basic and polar, at codon 278 of the CA4 protein (p.Gln278Arg). This variant is not present in population databases (gnomAD no frequency). This variant has not been reported in the literature in individuals affected with CA4-related conditions. Invitae Evidence Modeling of protein sequence and biophysical properties (such as structural, functional, and spatial information, amino acid conservation, physicochemical variation, residue mobility, and thermodynamic stability) indicates that this missense variant is not expected to disrupt CA4 protein function with a negative predictive value of 80%. In summary, the available evidence is currently insufficient to determine the role of this variant in disease. Therefore, it has been classified as a Variant of Uncertain Significance.

Blueprint Genetics
Classification: Uncertain significance. Last evaluated: 2022-04-02. Review status: criteria provided, single submitter. Criteria: ACMG Guidelines, 2015. Collection method: clinical testing. Allele origin: germline.

NM_000717.5(CA4):c.833A>G (p.Gln278Arg)

Gene: CA4 (carbonic anhydrase 4; plus strand). Cytogenetic location: 17q23.1.
Variant type: single nucleotide variant.
Coding change: c.833A>G on transcript NM_000717.5 (MANE Select); coding-DNA position 833, A replaced by G.
Protein change: p.Gln278Arg; replaces glutamine 278 with arginine.
Molecular consequence: missense variant. On other transcripts: non-coding transcript variant (1).
Genome position (GRCh38, 1-based): chr17:60,159,318, A>G. VCF-style: chr17-60159318-A-G. GRCh37 (hg19) VCF-style: chr17-58236679-A-G.
Other names: short protein forms Q278R.
Identifiers: ClinVar variation 4771252 (VCV004771252.2).